The following is an entry in ClinVar:

NM_016734.3(PAX5):c.673C>T (p.Arg225Trp)

Gene: PAX5 (paired box 5; minus strand). Cytogenetic location: 9p13.2.
Variant type: single nucleotide variant.
Coding change: c.673C>T on transcript NM_016734.3 (MANE Select); coding-DNA position 673, C replaced by T.
Protein change: p.Arg225Trp; replaces arginine 225 with tryptophan.
Molecular consequence: missense variant. On other transcripts: non-coding transcript variant (2).
Genome position (GRCh38, 1-based): chr9:36,966,656, G>A on the plus strand (C>T on the coding strand, the complement: PAX5 is on the minus strand). VCF-style: chr9-36966656-G-A. GRCh37 (hg19) VCF-style: chr9-36966653-G-A.
Other names: c.673C>T, p.Arg225Trp (NM_001280547.2, NM_001280548.2, NM_001280549.2 and 2 more transcripts); c.349C>T, p.Arg117Trp (NM_001280551.2, NM_001280556.2); c.544C>T, p.Arg182Trp (NM_001280553.2, NM_001280554.2); c.475C>T, p.Arg159Trp (NM_001280555.2); short protein forms R117W, R159W, R182W, R225W.
Identifiers: ClinVar variation 2659193 (VCV002659193.24), dbSNP rs1834464853, ClinGen allele CA373486790.
Genomic context (GRCh38, chr9:36,966,656, plus strand): 5'-GCTGCCTCTCAAACACGCGGTCCAGCACCTCCAGCTGCTGCTGTGTGAACAAGTCTCCCC[G>A]CATCTGCTTCCGGAGGAAGTCTCTGCCCGGAAGCGAGTGGCCGTTCGGCACCGGAGACTC-3'
Protein context (NP_057953.1, residues 215-235): PGRDFLRKQM[Arg225Trp]GDLFTQQQLE

ClinVar aggregate classification (germline): Uncertain significance (1 of 4 stars; one submission).

Allele frequency attached by ClinVar (database versions not stated): TOPMed 0.00001.
gnomAD v4.1: 10 of 1,614,176 alleles (0.00062%); highest among the groups gnomAD compares: South Asian, 0.0011%; no homozygotes.

Submission:

CeGaT Center for Human Genetics Tuebingen
Classification: Uncertain significance. Last evaluated: 2023-03-01. Review status: criteria provided, single submitter. Criteria: CeGaT Center For Human Genetics Tuebingen Variant Classification Criteria Version 2. Collection method: clinical testing. Allele origin: germline. Affected: yes. Observed: 1 variant allele.
Comment: PAX5: PM2, PP3